The following is an entry in ClinVar:

NM_000245.4(MET):c.2227A>C (p.Ile743Leu)

Gene: MET (MET proto-oncogene, receptor tyrosine kinase; plus strand). Cytogenetic location: 7q31.2.
Variant type: single nucleotide variant.
Coding change: c.2227A>C on transcript NM_000245.4 (MANE Select); coding-DNA position 2227, A replaced by C.
Protein change: p.Ile743Leu; replaces isoleucine 743 with leucine.
Molecular consequence: missense variant.
Genome position (GRCh38, 1-based): chr7:116,758,583, A>C. VCF-style: chr7-116758583-A-C. GRCh37 (hg19) VCF-style: chr7-116398637-A-C.
Other names: c.2227A>C, p.Ile743Leu (NM_001127500.3, NM_001324401.3); c.937A>C, p.Ile313Leu (NM_001324402.2); short protein forms I313L, I743L.
Identifiers: ClinVar variation 1718624 (VCV001718624.8), dbSNP rs2116932338, ClinGen allele CA368980793.

ClinVar aggregate classification (germline): Uncertain significance. Review status: criteria provided, multiple submitters, no conflicts (2 of 4 stars). 2 submissions from 2 submitters: Uncertain significance (2). Last evaluated 2026-07-28.

Conditions:
Renal cell carcinoma. Identifiers: Orphanet 217071, MedGen C0007134, MeSH D002292, MONDO:0005086, HP:0005584.
Hereditary cancer-predisposing syndrome. Also called: Tumor predisposition; Hereditary neoplastic syndrome; Neoplastic Syndromes, Hereditary; Hereditary Cancer Syndrome. Identifiers: Orphanet 140162, MedGen C0027672, MeSH D009386, MONDO:0015356.

Submissions (2):

Ambry Genetics
Classification: Uncertain significance for Hereditary cancer-predisposing syndrome. Last evaluated: 2026-07-28. Review status: criteria provided, single submitter. Criteria: Ambry Variant Classification Scheme 2023. Collection method: clinical testing. Allele origin: germline.
Comment: The p.I743L variant (also known as c.2227A>C), located in coding exon 8 of the MET gene, results from an A to C substitution at nucleotide position 2227. The isoleucine at codon 743 is replaced by leucine, an amino acid with highly similar properties. This variant was reported in individual(s) with features consistent with MET-related papillary renal cell carcinoma (Ambry internal data). This amino acid position is conserved. In addition, this alteration is predicted to be tolerated by in silico analysis. Based on the available evidence, the clinical significance of this variant remains unclear.

Labcorp Genetics (formerly Invitae), Labcorp
Classification: Uncertain significance for Renal cell carcinoma. Last evaluated: 2022-09-01. Review status: criteria provided, single submitter. Criteria: Invitae Variant Classification Sherloc (09022015). Collection method: clinical testing. Allele origin: germline.
Comment: Algorithms developed to predict the effect of missense changes on protein structure and function (SIFT, PolyPhen-2, Align-GVGD) all suggest that this variant is likely to be tolerated. This variant has not been reported in the literature in individuals affected with MET-related conditions. This variant is not present in population databases (gnomAD no frequency). This sequence change replaces isoleucine, which is neutral and non-polar, with leucine, which is neutral and non-polar, at codon 743 of the MET protein (p.Ile743Leu). In summary, the available evidence is currently insufficient to determine the role of this variant in disease. Therefore, it has been classified as a Variant of Uncertain Significance.